The following is an entry in ClinVar:

ClinVar aggregate classification (germline): Uncertain significance (1 of 4 stars; one submission).

Conditions:
Familial cancer of breast. Also called: BREAST CANCER, FAMILIAL; Hereditary breast cancer; hereditary breast carcinoma. Identifiers: Orphanet 227535, MedGen C0346153, MONDO:0016419, OMIM 114480. Disease mechanism: loss of function.

gnomAD v4.1: 1 of 1,612,334 alleles (0.000062%); highest among the groups gnomAD compares: Non-Finnish European, 0.000085%; no homozygotes.

Submission:

Labcorp Genetics (formerly Invitae), Labcorp
Classification: Uncertain significance for Familial cancer of breast. Last evaluated: 2022-12-11. Review status: criteria provided, single submitter. Criteria: Invitae Variant Classification Sherloc (09022015). Collection method: clinical testing. Allele origin: germline.
Comment: This variant has not been reported in the literature in individuals affected with BARD1-related conditions. In summary, the available evidence is currently insufficient to determine the role of this variant in disease. Therefore, it has been classified as a Variant of Uncertain Significance. Algorithms developed to predict the effect of missense changes on protein structure and function are either unavailable or do not agree on the potential impact of this missense change (SIFT: "Tolerated"; PolyPhen-2: "Probably Damaging"; Align-GVGD: "Class C0"). This variant is not present in population databases (gnomAD no frequency). This sequence change replaces glutamic acid, which is acidic and polar, with aspartic acid, which is acidic and polar, at codon 45 of the BARD1 protein (p.Glu45Asp).

NM_000465.4(BARD1):c.135G>C (p.Glu45Asp)

Gene: BARD1 (BRCA1 associated RING domain 1; minus strand). Cytogenetic location: 2q35.
Variant type: single nucleotide variant.
Coding change: c.135G>C on transcript NM_000465.4 (MANE Select); coding-DNA position 135, G replaced by C.
Protein change: p.Glu45Asp; replaces glutamic acid 45 with aspartic acid.
Molecular consequence: missense variant. On other transcripts: non-coding transcript variant (3).
Genome position (GRCh38, 1-based): chr2:214,809,435, C>G on the plus strand (G>C on the coding strand, the complement: BARD1 is on the minus strand). VCF-style: chr2-214809435-C-G. GRCh37 (hg19) VCF-style: chr2-215674159-C-G.
Other names: c.135G>C, p.Glu45Asp (NM_001282543.2, NM_001282545.2, NM_001282548.2 and 1 more transcripts); short protein forms E45D.
Identifiers: ClinVar variation 2799005 (VCV002799005.3), dbSNP rs2469637671, ClinGen allele CA350464867.